The following is an entry in ClinVar:

ClinVar aggregate classification (germline): Uncertain significance. Review status: criteria provided, multiple submitters, no conflicts (2 of 4 stars). 2 submissions from 2 submitters: Uncertain significance (2). Last evaluated 2024-07-16.

Conditions:
Cardiovascular phenotype. Identifiers: MedGen CN230736.
Long QT syndrome (LQTS). Identifiers: MedGen C0023976, MeSH D008133, MONDO:0002442. Disease mechanism: loss of function. Inheritance: Various modes of inheritance.

Allele frequency attached by ClinVar (database versions not stated): gnomAD exomes below 0.00001; ExAC 0.00001; gnomAD 0.00007 and 0.00009; TOPMed 0.00009; 1000 Genomes Project 30x 0.00016; 1000 Genomes Project 0.00020.
gnomAD v4.1: 20 of 1,592,356 alleles (0.0013%); highest among the groups gnomAD compares: Admixed American, 0.02%; no homozygotes.

Submissions (2):

Labcorp Genetics (formerly Invitae), Labcorp
Classification: Uncertain significance for Long QT syndrome. Last evaluated: 2024-07-16. Review status: criteria provided, single submitter. Criteria: Invitae Variant Classification Sherloc (09022015). Collection method: clinical testing. Allele origin: germline.
Comment: This sequence change replaces glutamic acid, which is acidic and polar, with lysine, which is basic and polar, at codon 747 of the AKAP9 protein (p.Glu747Lys). This variant is present in population databases (rs529180209, gnomAD 0.003%). This missense change has been observed in individual(s) with suspected Brugada syndrome (PMID: 31654968). ClinVar contains an entry for this variant (Variation ID: 582369). An algorithm developed to predict the effect of missense changes on protein structure and function (PolyPhen-2) suggests that this variant is likely to be disruptive. In summary, the available evidence is currently insufficient to determine the role of this variant in disease. Therefore, it has been classified as a Variant of Uncertain Significance.

Ambry Genetics
Classification: Uncertain significance for Cardiovascular phenotype. Last evaluated: 2021-04-27. Review status: criteria provided, single submitter. Criteria: Ambry Variant Classification Scheme 2023. Collection method: clinical testing. Allele origin: germline.
Comment: The p.E747K variant (also known as c.2239G>A), located in coding exon 8 of the AKAP9 gene, results from a G to A substitution at nucleotide position 2239. The glutamic acid at codon 747 is replaced by lysine, an amino acid with similar properties. This variant has been detected in an individual with loss of consciousness event, suspected Brugada syndrome on ECG, and family history of sudden death (Garris R et al. J Electrocardiol Sep;57:119-121). This amino acid position is not well conserved in available vertebrate species. In addition, this alteration is predicted to be tolerated by in silico analysis. Since supporting evidence is limited at this time, the clinical significance of this alteration remains unclear.

Literature cited by the submitters: PubMed 31654968 (cited by Labcorp Genetics (formerly Invitae), Labcorp and Ambry Genetics).

NM_005751.5(AKAP9):c.2239G>A (p.Glu747Lys)

Gene: AKAP9 (A-kinase anchoring protein 9; plus strand). Cytogenetic location: 7q21.2.
Variant type: single nucleotide variant.
Coding change: c.2239G>A on transcript NM_005751.5 (MANE Select); coding-DNA position 2239, G replaced by A.
Protein change: p.Glu747Lys; replaces glutamic acid 747 with lysine.
Molecular consequence: missense variant.
Genome position (GRCh38, 1-based): chr7:92,002,156, G>A. VCF-style: chr7-92002156-G-A. GRCh37 (hg19) VCF-style: chr7-91631470-G-A.
Other names: c.2239G>A, p.Glu747Lys (NM_147185.3); short protein forms E747K.
Identifiers: ClinVar variation 582369 (VCV000582369.11), dbSNP rs529180209, ClinGen allele CA4336107.